The following is an entry in ClinVar:

ClinVar aggregate classification (germline): Conflicting classifications of pathogenicity. Review status: criteria provided, conflicting classifications (1 of 4 stars). 4 submissions from 4 submitters: Uncertain significance (2); Likely benign (1). 1 of the submissions does not count toward it. Last evaluated 2025-12-11.

Conditions:
Melnick-Needles syndrome (MNS). Also called: MELNICK-NEEDLES OSTEODYSPLASTY; OSTEODYSPLASTY OF MELNICK AND NEEDLES; Melnick-Needles Syndrome (FLNA-MNS). Identifiers: Orphanet 2484, MedGen C0025237, MONDO:0010650, OMIM 309350.
Frontometaphyseal dysplasia (FMD1). Identifiers: MONDO:0015942, Orphanet 1826, MedGen C0265293.
Oto-palato-digital syndrome, type II (OPD2). Also called: Otopalatodigital Syndrome, Type II; FACIOPALATOOSSEOUS SYNDROME; OPD II SYNDROME; Otopalatodigital Syndrome Type 2 (FLNA-OPD2). Identifiers: Orphanet 669, Orphanet 90652, MedGen C1844696, MONDO:0010571, OMIM 304120.
Heterotopia, periventricular, X-linked dominant (PVNH1). Also called: X-linked periventricular heterotopia; PERIVENTRICULAR NODULAR HETEROTOPIA 4; HETEROTOPIA, PERIVENTRICULAR, 1; PERIVENTRICULAR NODULAR HETEROTOPIA 1. Identifiers: Orphanet 2149, Orphanet 82004, MedGen C1848213, MONDO:0010233, OMIM 300049.
FLNA-related disorder.
Familial thoracic aortic aneurysm and aortic dissection (TAAD). Also called: Thoracic aortic aneurysms and dissections. Identifiers: Orphanet 91387, MedGen C4707243, MONDO:0019625.

Allele frequency attached by ClinVar (database versions not stated): gnomAD 0.00001; gnomAD exomes 0.00001; TOPMed 0.00001.
gnomAD v4.1: 5 of 1,210,292 alleles (0.00041%); highest among the groups gnomAD compares: Non-Finnish European, 0.00056%; no homozygotes.

Submissions (4):

Ambry Genetics
Classification: Uncertain significance for Familial thoracic aortic aneurysm and aortic dissection. Last evaluated: 2025-12-11. Review status: criteria provided, single submitter. Criteria: Ambry Variant Classification Scheme 2023. Collection method: clinical testing. Allele origin: germline.
Comment: The p.G2452D variant (also known as c.7355G>A), located in coding exon 44 of the FLNA gene, results from a G to A substitution at nucleotide position 7355. The glycine at codon 2452 is replaced by aspartic acid, an amino acid with similar properties. This amino acid position is conserved. In addition, this alteration is predicted to be deleterious by in silico analysis. Based on the available evidence, the clinical significance of this variant remains unclear.

Labcorp Genetics (formerly Invitae), Labcorp
Classification: Likely benign for Oto-palato-digital syndrome, type II; Heterotopia, periventricular, X-linked dominant; Frontometaphyseal dysplasia; Melnick-Needles syndrome. Last evaluated: 2024-11-05. Review status: criteria provided, single submitter. Criteria: Invitae Variant Classification Sherloc (09022015). Collection method: clinical testing. Allele origin: germline.

GeneDx
Classification: Uncertain significance. Last evaluated: 2021-02-04. Review status: criteria provided, single submitter. Criteria: GeneDx Variant Classification Process June 2021. Collection method: clinical testing. Allele origin: germline. Affected: yes.
Comment: Has not been previously published as pathogenic or benign to our knowledge; In silico analysis supports that this missense variant has a deleterious effect on protein structure/function

PreventionGenetics, part of Exact Sciences
Classification: Uncertain significance for FLNA-related condition. Last evaluated: 2024-08-24. Review status: no assertion criteria provided. Collection method: clinical testing. Allele origin: germline. Not counted in ClinVar's aggregate classification.
Comment: The FLNA c.7379G>A variant is predicted to result in the amino acid substitution p.Gly2460Asp. To our knowledge, this variant has not been reported in the literature. It is reported in 0.0012% of alleles in individuals of European (Non-Finnish) descent in gnomAD. At this time, the clinical significance of this variant is uncertain due to the absence of conclusive functional and genetic evidence.

NM_001110556.2(FLNA):c.7379G>A (p.Gly2460Asp)

Gene: FLNA (filamin A; minus strand). Cytogenetic location: Xq28.
Variant type: single nucleotide variant.
Coding change: c.7379G>A on transcript NM_001110556.2 (MANE Select); coding-DNA position 7379, G replaced by A.
Protein change: p.Gly2460Asp; replaces glycine 2460 with aspartic acid.
Molecular consequence: missense variant.
Genome position (GRCh38, 1-based): chrX:154,349,822, C>T on the plus strand (G>A on the coding strand, the complement: FLNA is on the minus strand). VCF-style: chrX-154349822-C-T. GRCh37 (hg19) VCF-style: chrX-153578190-C-T.
Other names: c.7379G>A (NM_001110556.1); c.7355G>A, p.Gly2452Asp (NM_001456.4); short protein forms G2452D, G2460D.
Identifiers: ClinVar variation 1312681 (VCV001312681.8), dbSNP rs1557175388, ClinGen allele CA415182895.